The following is an entry in ClinVar:

NM_001082486.2(ACD):c.1048C>T (p.Pro350Ser)

Gene: ACD (ACD shelterin complex subunit and telomerase recruitment factor; minus strand). Cytogenetic location: 16q22.1.
Variant type: single nucleotide variant.
Coding change: c.1048C>T on transcript NM_001082486.2 (MANE Select); coding-DNA position 1048, C replaced by T.
Protein change: p.Pro350Ser; replaces proline 350 with serine.
Molecular consequence: missense variant.
Genome position (GRCh38, 1-based): chr16:67,658,144, G>A on the plus strand (C>T on the coding strand, the complement: ACD is on the minus strand). VCF-style: chr16-67658144-G-A. GRCh37 (hg19) VCF-style: chr16-67692047-G-A.
Other names: c.961C>T, p.Pro321Ser (NM_001410884.1); c.1039C>T, p.Pro347Ser (NM_022914.3); short protein forms P321S, P347S, P350S.
Identifiers: ClinVar variation 3232639 (VCV003232639.1), dbSNP rs748114171, ClinGen allele CA8114453.

ClinVar aggregate classification (germline): Uncertain significance (1 of 4 stars; one submission).

Conditions:
Inborn genetic diseases. Identifiers: MedGen C0950123, MeSH D030342.

Allele frequency attached by ClinVar (database versions not stated): ExAC 0.00001.

Submission:

Ambry Genetics
Classification: Uncertain significance for Inborn genetic diseases. Last evaluated: 2023-10-02. Review status: criteria provided, single submitter. Criteria: Ambry Variant Classification Scheme 2023. Collection method: clinical testing. Allele origin: germline.
Comment: The p.P436S variant (also known as c.1306C>T), located in coding exon 10 of the ACD gene, results from a C to T substitution at nucleotide position 1306. The proline at codon 436 is replaced by serine, an amino acid with similar properties. This amino acid position is conserved. In addition, this alteration is predicted to be tolerated by in silico analysis. Since supporting evidence is limited at this time, the clinical significance of this alteration remains unclear.